The following is an entry in ClinVar:

ClinVar aggregate classification (germline): Uncertain significance. Review status: criteria provided, multiple submitters, no conflicts (2 of 4 stars). 2 submissions from 2 submitters: Uncertain significance (2). Last evaluated 2025-08-31.

Allele frequency attached by ClinVar (database versions not stated): TOPMed 0.00001.
gnomAD v4.1: 11 of 1,608,090 alleles (0.00068%); highest among the groups gnomAD compares: Non-Finnish European, 0.00085%; no homozygotes.

Submissions (2):

Labcorp Genetics (formerly Invitae), Labcorp
Classification: Uncertain significance. Last evaluated: 2025-08-31. Review status: criteria provided, single submitter. Criteria: Invitae Variant Classification Sherloc (09022015). Collection method: clinical testing. Allele origin: germline.
Comment: This sequence change replaces serine, which is neutral and polar, with arginine, which is basic and polar, at codon 642 of the RNF31 protein (p.Ser642Arg). This variant is present in population databases (no rsID available, gnomAD 0.0009%). This variant has not been reported in the literature in individuals affected with RNF31-related conditions. ClinVar contains an entry for this variant (Variation ID: 1940429). An algorithm developed to predict the effect of missense changes on protein structure and function (PolyPhen-2) suggests that this variant is likely to be tolerated. In summary, the available evidence is currently insufficient to determine the role of this variant in disease. Therefore, it has been classified as a Variant of Uncertain Significance.

Ambry Genetics
Classification: Uncertain significance. Last evaluated: 2024-02-28. Review status: criteria provided, single submitter. Criteria: Ambry Variant Classification Scheme 2023. Collection method: clinical testing. Allele origin: germline.

NM_017999.5(RNF31):c.1926C>G (p.Ser642Arg)

Gene: RNF31 (ring finger protein 31; plus strand). Cytogenetic location: 14q12.
Variant type: single nucleotide variant.
Coding change: c.1926C>G on transcript NM_017999.5 (MANE Select); coding-DNA position 1926, C replaced by G.
Protein change: p.Ser642Arg; replaces serine 642 with arginine.
Molecular consequence: missense variant.
Genome position (GRCh38, 1-based): chr14:24,151,788, C>G. VCF-style: chr14-24151788-C-G. GRCh37 (hg19) VCF-style: chr14-24620997-C-G.
Other names: c.1473C>G, p.Ser491Arg (NM_001310332.2); short protein forms S491R, S642R.
Identifiers: ClinVar variation 1940429 (VCV001940429.6), dbSNP rs1319952239, ClinGen allele CA389298826.
Genomic context (GRCh38, chr14:24,151,788, plus strand): 5'-GGGGAAGGGTCCCTGGAGTCTGACAGCACTTCCCCCCTCCACCTGAATCATATTGCAGAG[C>G]CTGGTCAGGCGGCTTTTGGCAGTCTACGCACTCCCCAGCTGGGGCCGGGCAGAGCTGGCA-3'
Protein context (NP_060469.4, residues 632-652): TPSWDGPDKQ[Ser642Arg]LVRRLLAVYA